The following is an entry in ClinVar:

NM_001256715.2(DNAAF3):c.593T>C (p.Leu198Pro)

Genes: DNAAF3 (dynein axonemal assembly factor 3; minus strand), DNAAF3-AS1 (DNAAF3 antisense RNA 1; plus strand). Cytogenetic location: 19q13.42.
Variant type: single nucleotide variant.
Coding change: c.593T>C on transcript NM_001256715.2 (MANE Select); coding-DNA position 593, T replaced by C.
Protein change: p.Leu198Pro; replaces leucine 198 with proline.
Molecular consequence: missense variant.
Genome position (GRCh38, 1-based): chr19:55,161,713, A>G on the plus strand (T>C on the coding strand, the complement: DNAAF3 is on the minus strand). VCF-style: chr19-55161713-A-G. GRCh37 (hg19) VCF-style: chr19-55673081-A-G.
Other names: c.797T>C, p.Leu266Pro (NM_001256714.1); c.431T>C, p.Leu144Pro (NM_001256716.2); c.734T>C, p.Leu245Pro (NM_178837.4); short protein forms L144P, L198P, L245P, L266P.
Identifiers: ClinVar variation 4742076 (VCV004742076.1).

ClinVar aggregate classification (germline): Uncertain significance (1 of 4 stars; one submission).

Conditions:
Primary ciliary dyskinesia. Also called: Ciliary dyskinesia. Identifiers: Orphanet 244, MedGen C0008780, MONDO:0016575, HP:0012265.

Submission:

Labcorp Genetics (formerly Invitae), Labcorp
Classification: Uncertain significance for Primary ciliary dyskinesia. Last evaluated: 2026-01-14. Review status: criteria provided, single submitter. Criteria: Invitae Variant Classification Sherloc (09022015). Collection method: clinical testing. Allele origin: germline.
Comment: This sequence change replaces leucine, which is neutral and non-polar, with proline, which is neutral and non-polar, at codon 266 of the DNAAF3 protein (p.Leu266Pro). This variant is not present in population databases (gnomAD no frequency). This variant has not been reported in the literature in individuals affected with DNAAF3-related conditions. Invitae Evidence Modeling of protein sequence and biophysical properties (such as structural, functional, and spatial information, amino acid conservation, physicochemical variation, residue mobility, and thermodynamic stability) indicates that this missense variant is expected to disrupt DNAAF3 protein function with a positive predictive value of 80%. In summary, the available evidence is currently insufficient to determine the role of this variant in disease. Therefore, it has been classified as a Variant of Uncertain Significance.